The following is an entry in ClinVar:

NM_001113378.2(FANCI):c.2457-2A>G

Gene: FANCI (FA complementation group I; plus strand). Cytogenetic location: 15q26.1.
Variant type: single nucleotide variant.
Coding change: c.2457-2A>G on transcript NM_001113378.2 (MANE Select); the canonical splice acceptor site of the intron before coding-DNA position 2457, A replaced by G.
Molecular consequence: splice acceptor variant. On other transcripts: intron variant (1).
Genome position (GRCh38, 1-based): chr15:89,294,913, A>G. VCF-style: chr15-89294913-A-G. GRCh37 (hg19) VCF-style: chr15-89838144-A-G.
Other names: c.2456+916A>G (NM_018193.3); c.2457-2A>G (NM_001376911.1); c.2178-2A>G (NM_001376910.1).
Identifiers: ClinVar variation 932344 (VCV000932344.42), dbSNP rs2054196709, ClinGen allele CA393750563.

ClinVar aggregate classification (germline): Likely pathogenic. Review status: criteria provided, multiple submitters, no conflicts (2 of 4 stars). 2 submissions from 2 submitters: Likely pathogenic (2). Last evaluated 2024-08-01.

Conditions:
Fanconi anemia (FA). Also called: Fanconi's anemia. Identifiers: Orphanet 84, MedGen C0015625, MeSH D005199, MONDO:0019391.

Submissions (2):

CeGaT Center for Human Genetics Tuebingen
Classification: Likely pathogenic. Last evaluated: 2024-08-01. Review status: criteria provided, single submitter. Criteria: CeGaT Center For Human Genetics Tuebingen Variant Classification Criteria Version 2. Collection method: clinical testing. Allele origin: germline. Affected: yes. Observed: 3 variant alleles.
Comment: FANCI: PVS1:Strong, PM2

Labcorp Genetics (formerly Invitae), Labcorp
Classification: Likely pathogenic for Fanconi anemia. Last evaluated: 2023-06-28. Review status: criteria provided, single submitter. Criteria: Invitae Variant Classification Sherloc (09022015). Collection method: clinical testing. Allele origin: germline.
Comment: This sequence change affects an acceptor splice site in intron 23 of the FANCI gene. It is expected to disrupt RNA splicing. Variants that disrupt the donor or acceptor splice site typically lead to a loss of protein function (PMID: 16199547), and loss-of-function variants in FANCI are known to be pathogenic (PMID: 17452773, 17460694). This variant is not present in population databases (gnomAD no frequency). This variant has not been reported in the literature in individuals affected with FANCI-related conditions. ClinVar contains an entry for this variant (Variation ID: 932344). Algorithms developed to predict the effect of sequence changes on RNA splicing suggest that this variant may disrupt the consensus splice site. In summary, the currently available evidence indicates that the variant is pathogenic, but additional data are needed to prove that conclusively. Therefore, this variant has been classified as Likely Pathogenic.

Literature cited by the submitters: PubMed 16199547 (cited by Labcorp Genetics (formerly Invitae), Labcorp); PubMed 17452773 (cited by Labcorp Genetics (formerly Invitae), Labcorp); PubMed 17460694 (cited by Labcorp Genetics (formerly Invitae), Labcorp).